The following is an entry in ClinVar:

NM_001267550.2(TTN):c.103897A>G (p.Arg34633Gly)

Genes: TTN (titin; minus strand), TTN-AS1 (TTN antisense RNA 1; plus strand). Cytogenetic location: 2q31.2.
Variant type: single nucleotide variant.
Coding change: c.103897A>G on transcript NM_001267550.2 (MANE Select); coding-DNA position 103897, A replaced by G.
Protein change: p.Arg34633Gly; replaces arginine 34633 with glycine.
Molecular consequence: missense variant.
Genome position (GRCh38, 1-based): chr2:178,532,718, T>C on the plus strand (A>G on the coding strand, the complement: TTN is on the minus strand). VCF-style: chr2-178532718-T-C. GRCh37 (hg19) VCF-style: chr2-179397445-T-C.
Other names: c.98974A>G, p.Arg32992Gly (NM_001256850.1); c.76702A>G, p.Arg25568Gly (NM_003319.4); c.96193A>G, p.Arg32065Gly (NM_133378.4); c.77077A>G, p.Arg25693Gly (NM_133432.3); c.77278A>G, p.Arg25760Gly (NM_133437.4); short protein forms R32992G, R34633G, R25568G, R25693G, R25760G, R32065G.
Identifiers: ClinVar variation 2950108 (VCV002950108.3), dbSNP rs2468462757, ClinGen allele CA349412979.
Genomic context (GRCh38, chr2:178,532,718, plus strand): 5'-GTCTTCTAGGTCGGTAGTAAAAGTCATAATCAGGAGAAGGTGTACGCCGGCGGGCTGGTC[T>C]CACTATCTCAAGATCATCTTGGGACAGTTTAGGAATACGCCATTTAGGTCTGTATTGATC-3'
Protein context (NP_001254479.2, residues 34623-34643): KLSQDDLEIV[Arg34633Gly]PARRRTPSPD

ClinVar aggregate classification (germline): Uncertain significance (1 of 4 stars; one submission).

Conditions:
Dilated cardiomyopathy 1G (CMD1G). Identifiers: Orphanet 154, MedGen C1858763, MONDO:0011400, OMIM 604145.
Autosomal recessive limb-girdle muscular dystrophy type 2J (LGMDR10). Also called: Limb-girdle muscular dystrophy, type 2J; MUSCULAR DYSTROPHY, LIMB-GIRDLE, AUTOSOMAL RECESSIVE 10. Identifiers: Orphanet 140922, MedGen C1837342, MONDO:0012127, OMIM 608807.

Submission:

Labcorp Genetics (formerly Invitae), Labcorp
Classification: Uncertain significance for Dilated cardiomyopathy 1G; Autosomal recessive limb-girdle muscular dystrophy type 2J. Last evaluated: 2023-07-19. Review status: criteria provided, single submitter. Criteria: Invitae Variant Classification Sherloc (09022015). Collection method: clinical testing. Allele origin: germline.
Comment: This variant is located in the M band of TTN (PMID: 25589632). Variants in this region may be relevant for neuromuscular disorders, but have not been definitively shown to cause cardiomyopathy (PMID: 23975875). In summary, the available evidence is currently insufficient to determine the role of this variant in disease. Therefore, it has been classified as a Variant of Uncertain Significance. Experimental studies and prediction algorithms are not available or were not evaluated, and the functional significance of this variant is currently unknown. This variant has not been reported in the literature in individuals affected with TTN-related conditions. This variant is not present in population databases (gnomAD no frequency). This sequence change replaces arginine, which is basic and polar, with glycine, which is neutral and non-polar, at codon 34633 of the TTN protein (p.Arg34633Gly).

Literature cited by the submitters: PubMed 25589632; PubMed 23975875.